The following is an entry in ClinVar:

ClinVar aggregate classification (germline): Uncertain significance (1 of 4 stars; one submission).

Submission:

Women's Health and Genetics/Laboratory Corporation of America, LabCorp
Classification: Uncertain significance. Last evaluated: 2025-05-05. Review status: criteria provided, single submitter. Criteria: LabCorp Variant Classification Summary - May 2015. Collection method: clinical testing. Allele origin: germline.
Comment: Variant summary: AEBP1 c.2841_2846dupCCCGGG (p.Pro948_Gly949dup) results in an in-frame duplication that is predicted to duplicate two amino acids into the encoded protein. The frequency data for this variant in gnomAD is considered unreliable, as metrics indicate poor data quality at this position. To our knowledge, no occurrence of c.2841_2846dupCCCGGG in individuals affected with Ehlers-Danlos syndrome, classic-like, 2 and no experimental evidence demonstrating its impact on protein function have been reported. No submitters have cited clinical-significance assessments for this variant to ClinVar. Based on the evidence outlined above, the variant was classified as uncertain significance.

NM_001129.5(AEBP1):c.2841_2846dup (p.Gly949_Glu950insProGly)

Gene: AEBP1 (AE binding protein 1; plus strand). Cytogenetic location: 7p13.
Variant type: Duplication.
Coding change: c.2841_2846dup on transcript NM_001129.5 (MANE Select); coding-DNA positions 2841 to 2846, 6 bases duplicated (CCCGGG; older notation c.2841_2846dupCCCGGG).
Protein change: p.Gly949_Glu950insProGly.
Molecular consequence: inframe insertion.
Genome position (GRCh38, 1-based): chr7:44,113,625-44,113,630, CCCGGG duplicated. VCF-style (leftmost placement, unchanged base first): chr7-44113624-A-ACCCGGG. GRCh37 (hg19) VCF-style: chr7-44153223-A-ACCCGGG.
Other names: c.2841_2846dupCCCGGG (NM_001129.5).
Identifiers: ClinVar variation 3902524 (VCV003902524.1).